The following is an entry in ClinVar:

NC_000013.11:g.48303691C>A

Genes: RB1 (RB transcriptional corepressor 1; plus strand), RB1-DT (RB1 divergent transcript; minus strand). Cytogenetic location: 13q14.2.
Variant type: single nucleotide variant.
Molecular consequence: non-coding transcript variant (on NR_046414.2).
Genome position: GRCh38 VCF-style: chr13-48303691-C-A. GRCh37 (hg19) VCF-style: chr13-48877827-C-A.
Identifiers: ClinVar variation 2805716 (VCV002805716.3), dbSNP rs1488949117, ClinGen allele CA698656233.

ClinVar aggregate classification (germline): Uncertain significance (1 of 4 stars; one submission).

Conditions:
Retinoblastoma (RB1). Also called: RETINOBLASTOMA, SOMATIC. Identifiers: Orphanet 790, MedGen C0035335, MeSH D012175, MONDO:0008380, OMIM 180200, HP:0009919. Disease mechanism: loss of function. Inheritance: Both sporadic and heritable forms are tested..

Allele frequency attached by ClinVar (database versions not stated): gnomAD 0.00001; TOPMed 0.00001.

Submission:

Labcorp Genetics (formerly Invitae), Labcorp
Classification: Uncertain significance for Retinoblastoma. Last evaluated: 2023-11-30. Review status: criteria provided, single submitter. Criteria: Invitae Variant Classification Sherloc (09022015). Collection method: clinical testing. Allele origin: germline.
Comment: This variant occurs in a non-coding region of the RB1 gene. It does not change the encoded amino acid sequence of the RB1 protein. This variant is not present in population databases (gnomAD no frequency). This variant has not been reported in the literature in individuals affected with RB1-related conditions. Experimental studies and prediction algorithms are not available or were not evaluated, and the functional significance of this variant is currently unknown. In summary, the available evidence is currently insufficient to determine the role of this variant in disease. Therefore, it has been classified as a Variant of Uncertain Significance.